The following is an entry in ClinVar:

NM_004360.5(CDH1):c.1097C>G (p.Thr366Ser)

Gene: CDH1 (cadherin 1; plus strand). Cytogenetic location: 16q22.1.
Variant type: single nucleotide variant.
Coding change: c.1097C>G on transcript NM_004360.5 (MANE Select); coding-DNA position 1097, C replaced by G.
Protein change: p.Thr366Ser; replaces threonine 366 with serine.
Molecular consequence: missense variant. On other transcripts: 5 prime UTR variant (2).
Genome position (GRCh38, 1-based): chr16:68,812,223, C>G. VCF-style: chr16-68812223-C-G. GRCh37 (hg19) VCF-style: chr16-68846126-C-G.
Other names: c.1097C>G, p.Thr366Ser (NM_001317184.2); c.-519C>G (NM_001317185.2); c.-723C>G (NM_001317186.2); c.1097C>G (LRG_301t1); short protein forms T366S.
Identifiers: ClinVar variation 233204 (VCV000233204.20), dbSNP rs876660260, ClinGen allele CA10580103.

ClinVar aggregate classification (germline): Conflicting classifications of pathogenicity. Review status: criteria provided, conflicting classifications (1 of 4 stars). 6 submissions from 6 submitters: Uncertain significance (5); Likely benign (1). Last evaluated 2025-11-24.

Conditions:
CDH1-related diffuse gastric and lobular breast cancer syndrome. Also called: CDH1-related diffuse gastric and lobular breast cancer. Identifiers: MedGen CN311521, MONDO:0100488.
Hereditary cancer-predisposing syndrome. Also called: Tumor predisposition; Hereditary Cancer Syndrome; Hereditary neoplastic syndrome; Neoplastic Syndromes, Hereditary. Identifiers: Orphanet 140162, MedGen C0027672, MeSH D009386, MONDO:0015356.
Hereditary diffuse gastric adenocarcinoma (HDGC). Also called: DIFFUSE GASTRIC AND LOBULAR BREAST CANCER SYNDROME. Identifiers: Orphanet 26106, MedGen C1708349, MONDO:0007648, OMIM 137215.
Familial cancer of breast. Also called: hereditary breast carcinoma; BREAST CANCER, FAMILIAL; Hereditary breast cancer. Identifiers: Orphanet 227535, MedGen C0346153, MONDO:0016419, OMIM 114480. Disease mechanism: loss of function.

Allele frequency attached by ClinVar (database versions not stated): TOPMed below 0.00001.
gnomAD v4.1: 15 of 1,614,162 alleles (0.00093%); highest among the groups gnomAD compares: Non-Finnish European, 0.0013%; no homozygotes.

Submissions (6):

Labcorp Genetics (formerly Invitae), Labcorp
Classification: Uncertain significance for Hereditary diffuse gastric adenocarcinoma. Last evaluated: 2025-11-24. Review status: criteria provided, single submitter. Criteria: Invitae Variant Classification Sherloc (09022015). Collection method: clinical testing. Allele origin: germline.
Comment: This sequence change replaces threonine, which is neutral and polar, with serine, which is neutral and polar, at codon 366 of the CDH1 protein (p.Thr366Ser). This variant is not present in population databases (gnomAD no frequency). This variant has not been reported in the literature in individuals affected with CDH1-related conditions. ClinVar contains an entry for this variant (Variation ID: 233204). An algorithm developed to predict the effect of missense changes on protein structure and function (PolyPhen-2) suggests that this variant is likely to be tolerated. In summary, the available evidence is currently insufficient to determine the role of this variant in disease. Therefore, it has been classified as a Variant of Uncertain Significance.

Ambry Genetics
Classification: Likely benign for Hereditary cancer-predisposing syndrome. Last evaluated: 2024-07-11. Review status: criteria provided, single submitter. Criteria: Ambry Variant Classification Scheme 2023. Collection method: clinical testing. Allele origin: germline.

Color Diagnostics, LLC DBA Color Health
Classification: Uncertain significance for Hereditary cancer-predisposing syndrome. Last evaluated: 2023-12-05. Review status: criteria provided, single submitter. Criteria: ACMG Guidelines, 2015. Collection method: clinical testing. Allele origin: germline.
Comment: This missense variant replaces threonine with serine at codon 366 of the CDH1 protein. To our knowledge, functional studies have not been reported for this variant. This variant has not been reported in individuals affected with hereditary cancer in the literature. This variant has not been identified in the general population by the Genome Aggregation Database (gnomAD). The available evidence is insufficient to determine the role of this variant in disease conclusively. Therefore, this variant is classified as a Variant of Uncertain Significance.

Baylor Genetics
Classification: Uncertain significance for Familial cancer of breast. Last evaluated: 2023-10-26. Review status: criteria provided, single submitter. Criteria: ACMG Guidelines, 2015. Collection method: clinical testing. Allele origin: unknown.

Quest Diagnostics Nichols Institute San Juan Capistrano
Classification: Uncertain significance. Last evaluated: 2021-03-28. Review status: criteria provided, single submitter. Criteria: Quest Diagnostics criteria. Collection method: clinical testing. Allele origin: unknown.

Department of Pathology and Laboratory Medicine, Sinai Health System
Classification: Uncertain significance for CDH1-related diffuse gastric and lobular breast cancer syndrome. Last evaluated: 2019-12-04. Review status: criteria provided, single submitter. Criteria: ACMG Guidelines, 2015. Collection method: clinical testing. Allele origin: germline. Affected: yes.